The following is an entry in ClinVar:

ClinVar aggregate classification (germline): Uncertain significance (1 of 4 stars; one submission).

Conditions:
Nephronophthisis 15 (NPHP15). Identifiers: Orphanet 3156, MedGen C3541853, MONDO:0013917, OMIM 614845.

Allele frequency attached by ClinVar (database versions not stated): gnomAD exomes below 0.00001; ExAC 0.00001.
gnomAD v4.1: 4 of 1,613,726 alleles (0.00025%); highest among the groups gnomAD compares: Admixed American, 0.0067%; no homozygotes.

Submission:

Labcorp Genetics (formerly Invitae), Labcorp
Classification: Uncertain significance for Nephronophthisis 15. Last evaluated: 2022-08-17. Review status: criteria provided, single submitter. Criteria: Invitae Variant Classification Sherloc (09022015). Collection method: clinical testing. Allele origin: germline.
Comment: In summary, the available evidence is currently insufficient to determine the role of this variant in disease. Therefore, it has been classified as a Variant of Uncertain Significance. Algorithms developed to predict the effect of missense changes on protein structure and function output the following: SIFT: "Tolerated"; PolyPhen-2: "Benign"; Align-GVGD: "Class C0". The valine amino acid residue is found in multiple mammalian species, which suggests that this missense change does not adversely affect protein function. This variant has not been reported in the literature in individuals affected with CEP164-related conditions. This variant is present in population databases (rs764542671, gnomAD 0.01%). This sequence change replaces alanine, which is neutral and non-polar, with valine, which is neutral and non-polar, at codon 208 of the CEP164 protein (p.Ala208Val).

NM_014956.5(CEP164):c.623C>T (p.Ala208Val)

Gene: CEP164 (centrosomal protein 164; plus strand). Cytogenetic location: 11q23.3.
Variant type: single nucleotide variant.
Coding change: c.623C>T on transcript NM_014956.5 (MANE Select); coding-DNA position 623, C replaced by T.
Protein change: p.Ala208Val; replaces alanine 208 with valine.
Molecular consequence: missense variant.
Genome position (GRCh38, 1-based): chr11:117,362,474, C>T. VCF-style: chr11-117362474-C-T. GRCh37 (hg19) VCF-style: chr11-117233190-C-T.
Other names: c.623C>T, p.Ala208Val (NM_001271933.2); short protein forms A208V.
Identifiers: ClinVar variation 2181593 (VCV002181593.2), dbSNP rs764542671, ClinGen allele CA6294538.